The following is an entry in ClinVar:

ClinVar aggregate classification (germline): Pathogenic (1 of 4 stars; one submission).

Submission:

Labcorp Genetics (formerly Invitae), Labcorp
Classification: Pathogenic. Last evaluated: 2024-05-21. Review status: criteria provided, single submitter. Criteria: Invitae Variant Classification Sherloc (09022015). Collection method: clinical testing. Allele origin: germline.
Comment: This sequence change creates a premature translational stop signal (p.Glu808Glyfs*142) in the KMT2A gene. It is expected to result in an absent or disrupted protein product. Loss-of-function variants in KMT2A are known to be pathogenic (PMID: 22795537, 25810209, 29574747). This variant is not present in population databases (gnomAD no frequency). This variant has not been reported in the literature in individuals affected with KMT2A-related conditions. For these reasons, this variant has been classified as Pathogenic.

Literature cited by the submitters: PubMed 22795537; PubMed 25810209; PubMed 29574747.

NM_001197104.2(KMT2A):c.2421_2422dup (p.Glu808fs)

Gene: KMT2A (lysine methyltransferase 2A; plus strand). Cytogenetic location: 11q23.3.
Variant type: Duplication.
Coding change: c.2421_2422dup on transcript NM_001197104.2 (MANE Select); coding-DNA positions 2421 to 2422, 2 bases duplicated (GG; older notation c.2421_2422dupGG).
Protein change: p.Glu808fs; shifts the reading frame from glutamic acid 808.
Molecular consequence: frameshift variant.
Genome position (GRCh38, 1-based): chr11:118,473,580-118,473,581, GG duplicated; duplicating any 2 consecutive bases within chr11:118,473,578-118,473,581 gives the same sequence; the c. name uses the placement nearest the transcript's 3' end. VCF-style (leftmost placement, unchanged base first): chr11-118473577-T-TGG. GRCh37 (hg19) VCF-style: chr11-118344292-T-TGG.
Other names: c.2520_2521dup, p.Glu841fs (NM_001412597.1); c.2421_2422dup, p.Glu808fs (NM_005933.4); short protein forms E841fs, E808fs.
Identifiers: ClinVar variation 3653945 (VCV003653945.2).